The following is an entry in ClinVar:

NM_001194998.2(CEP152):c.4318C>G (p.His1440Asp)

Gene: CEP152 (centrosomal protein 152; minus strand). Cytogenetic location: 15q21.1.
Variant type: single nucleotide variant.
Coding change: c.4318C>G on transcript NM_001194998.2 (MANE Select); coding-DNA position 4318, C replaced by G.
Protein change: p.His1440Asp; replaces histidine 1440 with aspartic acid.
Molecular consequence: missense variant.
Genome position (GRCh38, 1-based): chr15:48,739,064, G>C on the plus strand (C>G on the coding strand, the complement: CEP152 is on the minus strand). VCF-style: chr15-48739064-G-C. GRCh37 (hg19) VCF-style: chr15-49031261-G-C.
Other names: c.4150C>G, p.His1384Asp (NM_014985.4); c.4150C>G (NM_014985.3); short protein forms H1384D, H1440D.
Identifiers: ClinVar variation 1404328 (VCV001404328.8), dbSNP rs374524698, ClinGen allele CA7548123.

ClinVar aggregate classification (germline): Uncertain significance. Review status: criteria provided, multiple submitters, no conflicts (2 of 4 stars). 2 submissions from 2 submitters: Uncertain significance (2). Last evaluated 2025-11-26.

Conditions:
Inborn genetic diseases. Identifiers: MedGen C0950123, MeSH D030342.

Allele frequency attached by ClinVar (database versions not stated): 1000 Genomes Project 30x 0.00016; gnomAD exomes 0.00001; 1000 Genomes Project 0.00020.
gnomAD v4.1: 24 of 1,614,154 alleles (0.0015%); highest among the groups gnomAD compares: Admixed American, 0.03%; no homozygotes.

Submissions (2):

Ambry Genetics
Classification: Uncertain significance for Inborn genetic diseases. Last evaluated: 2025-11-26. Review status: criteria provided, single submitter. Criteria: Ambry Variant Classification Scheme 2023. Collection method: clinical testing. Allele origin: germline.

Labcorp Genetics (formerly Invitae), Labcorp
Classification: Uncertain significance. Last evaluated: 2025-01-06. Review status: criteria provided, single submitter. Criteria: Invitae Variant Classification Sherloc (09022015). Collection method: clinical testing. Allele origin: germline.
Comment: This sequence change replaces histidine, which is basic and polar, with aspartic acid, which is acidic and polar, at codon 1384 of the CEP152 protein (p.His1384Asp). This variant is present in population databases (rs374524698, gnomAD 0.006%). This variant has not been reported in the literature in individuals affected with CEP152-related conditions. ClinVar contains an entry for this variant (Variation ID: 1404328). An algorithm developed to predict the effect of missense changes on protein structure and function (PolyPhen-2) suggests that this variant¬†is likely to be tolerated. In summary, the available evidence is currently insufficient to determine the role of this variant in disease. Therefore, it has been classified as a Variant of Uncertain Significance.